The following is an entry in ClinVar:

NM_004415.4(DSP):c.4868C>G (p.Ser1623Cys)

Gene: DSP (desmoplakin; plus strand). Cytogenetic location: 6p24.3.
Variant type: single nucleotide variant.
Coding change: c.4868C>G on transcript NM_004415.4 (MANE Select); coding-DNA position 4868, C replaced by G.
Protein change: p.Ser1623Cys; replaces serine 1623 with cysteine.
Molecular consequence: missense variant. On other transcripts: intron variant (2).
Genome position (GRCh38, 1-based): chr6:7,581,058, C>G. VCF-style: chr6-7581058-C-G. GRCh37 (hg19) VCF-style: chr6-7581291-C-G.
Other names: c.4050+818C>G (NM_001319034.2); c.3582+1286C>G (NM_001008844.3); short protein forms S1623C.
Identifiers: ClinVar variation 924752 (VCV000924752.17), dbSNP rs908086952, ClinGen allele CA133970445.
Genomic context (GRCh38, chr6:7,581,058, plus strand): 5'-GGTCGCTGAAGGAGCAAGCCATCAAAATCACCAACCTGACCCAGCAGCTGGAGCAGGCAT[C>G]CATTGTTAAGAAGAGGAGTGAGGATGACCTCCGGCAGCAGAGGGACGTGCTGGATGGCCA-3'
Protein context (NP_004406.2, residues 1613-1633): TNLTQQLEQA[Ser1623Cys]IVKKRSEDDL

ClinVar aggregate classification (germline): Uncertain significance. Review status: criteria provided, multiple submitters, no conflicts (2 of 4 stars). 5 submissions from 5 submitters: Uncertain significance (5). Last evaluated 2025-11-25.

Conditions:
Cardiovascular phenotype. Identifiers: MedGen CN230736.
Cardiomyopathy (CMYO). Also called: Cardiomyopathies. Identifiers: Orphanet 167848, MedGen C0878544, MONDO:0004994, HP:0001638. Inheritance: Various modes of inheritance.
Arrhythmogenic cardiomyopathy with wooly hair and keratoderma. Also called: Carvajal syndrome; Dilated cardiomyopathy with woolly hair and keratoderma; PALMOPLANTAR KERATODERMA WITH LEFT VENTRICULAR CARDIOMYOPATHY AND WOOLLY HAIR; Arrhythmogenic cardiomyopathy with woolly hair and keratoderma. Identifiers: Orphanet 65282, MedGen C1854063, MONDO:0011581, OMIM 605676.
Arrhythmogenic right ventricular dysplasia 8 (ARVD8). Also called: Arrhythmogenic Right Ventricular Dysplasia/Cardiomyopathy 8; ARRHYTHMOGENIC RIGHT VENTRICULAR CARDIOMYOPATHY 8; ARRHYTHMOGENIC RIGHT VENTRICULAR DYSPLASIA, FAMILIAL, 8. Identifiers: MedGen C1843896, MONDO:0011831, OMIM 607450.

Allele frequency attached by ClinVar (database versions not stated): gnomAD exomes below 0.00001; TOPMed 0.00001.
gnomAD v4.1: 7 of 1,614,004 alleles (0.00043%); highest among the groups gnomAD compares: African/African-American, 0.008%; no homozygotes.

Submissions (5):

Ambry Genetics
Classification: Uncertain significance for Cardiovascular phenotype. Last evaluated: 2025-11-25. Review status: criteria provided, single submitter. Criteria: Ambry Variant Classification Scheme 2023. Collection method: clinical testing. Allele origin: germline.
Comment: The p.S1623C variant (also known as c.4868C>G), located in coding exon 23 of the DSP gene, results from a C to G substitution at nucleotide position 4868. The serine at codon 1623 is replaced by cysteine, an amino acid with dissimilar properties. This alteration has been reported in arrhythmogenic right ventricular cardiomyopathy (ARVC) cohorts; however, clinical details were limited (Walsh R et al. Genet Med, 2017 02;19:192-203; Ye JZ et al. Clin Genet, 2019 12;96:506-514). This amino acid position is well conserved in available vertebrate species. In addition, the in silico prediction for this alteration is inconclusive. Since supporting evidence is limited at this time, the clinical significance of this alteration remains unclear.

Labcorp Genetics (formerly Invitae), Labcorp
Classification: Uncertain significance for Arrhythmogenic cardiomyopathy with wooly hair and keratoderma; Arrhythmogenic right ventricular dysplasia 8. Last evaluated: 2025-09-27. Review status: criteria provided, single submitter. Criteria: Invitae Variant Classification Sherloc (09022015). Collection method: clinical testing. Allele origin: germline.
Comment: This sequence change replaces serine, which is neutral and polar, with cysteine, which is neutral and slightly polar, at codon 1623 of the DSP protein (p.Ser1623Cys). This variant is not present in population databases (gnomAD no frequency). This missense change has been observed in individual(s) with arrhythmogenic right ventricular cardiomyopathy (PMID: 27532257). ClinVar contains an entry for this variant (Variation ID: 924752). An algorithm developed to predict the effect of missense changes on protein structure and function (PolyPhen-2) suggests that this variant is likely to be disruptive. In summary, the available evidence is currently insufficient to determine the role of this variant in disease. Therefore, it has been classified as a Variant of Uncertain Significance.

Genomic Medicine Center of Excellence, King Faisal Specialist Hospital and Research Centre
Classification: Uncertain significance for Arrhythmogenic cardiomyopathy with wooly hair and keratoderma. Last evaluated: 2025-09-10. Review status: criteria provided, single submitter. Criteria: ACMG Guidelines, 2015. Collection method: clinical testing. Allele origin: germline.

Color Diagnostics, LLC DBA Color Health
Classification: Uncertain significance for Cardiomyopathy. Last evaluated: 2025-07-01. Review status: criteria provided, single submitter. Criteria: ACMG Guidelines, 2015. Collection method: clinical testing. Allele origin: germline.
Comment: This missense variant replaces serine with cysteine at codon 1623 of the DSP protein. Computational prediction suggests that this variant may not impact protein structure and function. To our knowledge, functional studies have not been reported for this variant. This variant has been reported in an individual affected with arrhythmogenic right ventricular cardiomyopathy (PMID: 27532257). This variant has not been identified in the general population by the Genome Aggregation Database (gnomAD). The available evidence is insufficient to determine the role of this variant in disease conclusively. Therefore, this variant is classified as a Variant of Uncertain Significance.

GeneDx
Classification: Uncertain significance. Last evaluated: 2024-11-14. Review status: criteria provided, single submitter. Criteria: GeneDx Variant Classification Process June 2021. Collection method: clinical testing. Allele origin: germline.
Comment: Observed in an individual with ARVC (PMID: 27532257); Not observed at significant frequency in large population cohorts (gnomAD); In silico analysis indicates that this missense variant does not alter protein structure/function; This variant is associated with the following publications: (PMID: 31402444, 27532257)

Literature cited by the submitters: PubMed 27532257 (cited by 3 submitters); PubMed 31402444 (cited by Ambry Genetics).